The following is an entry in ClinVar:

NM_022124.6(CDH23):c.7996A>G (p.Ile2666Val)

Genes: CDH23 (cadherin related 23; plus strand), LOC111982869 (Sharpr-MPRA regulatory region 2121; plus strand). Cytogenetic location: 10q22.1.
Variant type: single nucleotide variant.
Coding change: c.7996A>G on transcript NM_022124.6 (MANE Select); coding-DNA position 7996, A replaced by G.
Protein change: p.Ile2666Val; replaces isoleucine 2666 with valine.
Molecular consequence: missense variant.
Genome position (GRCh38, 1-based): chr10:71,805,929, A>G. VCF-style: chr10-71805929-A-G. GRCh37 (hg19) VCF-style: chr10-73565686-A-G.
Other names: c.1276A>G, p.Ile426Val (NM_001171933.1, NM_001171934.1); short protein forms I2666V, I426V.
Identifiers: ClinVar variation 966348 (VCV000966348.9), dbSNP rs368394419, ClinGen allele CA5546500.

ClinVar aggregate classification (germline): Uncertain significance. Review status: criteria provided, multiple submitters, no conflicts (2 of 4 stars). 4 submissions from 4 submitters: Uncertain significance (3). 1 of the submissions does not count toward it. Last evaluated 2026-02-05.

Conditions:
Usher syndrome type 1 (USH1). Also called: RETINITIS PIGMENTOSA AND CONGENITAL DEAFNESS. Identifiers: Orphanet 231169, Orphanet 886, MedGen C1568247, MONDO:0010168, OMIM 276900.
Inborn genetic diseases. Identifiers: MedGen C0950123, MeSH D030342.

Allele frequency attached by ClinVar (database versions not stated): gnomAD exomes 0.00001 and 0.00003; ExAC 0.00003; ESP Exome Variant Server 0.00008; gnomAD 0.00009; TOPMed 0.00014.
gnomAD v4.1: 29 of 1,613,394 alleles (0.0018%); highest among the groups gnomAD compares: African/African-American, 0.032%; no homozygotes.

Submissions (4):

GeneDx
Classification: Uncertain significance. Last evaluated: 2026-02-05. Review status: criteria provided, single submitter. Criteria: GeneDx Variant Classification Process June 2021. Collection method: clinical testing. Allele origin: germline.
Comment: In silico analysis suggests that this missense variant does not alter protein structure/function; Has not been previously published as pathogenic or benign to our knowledge

Ambry Genetics
Classification: Uncertain significance for Inborn genetic diseases. Last evaluated: 2025-07-01. Review status: criteria provided, single submitter. Criteria: Ambry Variant Classification Scheme 2023. Collection method: clinical testing. Allele origin: germline.

Labcorp Genetics (formerly Invitae), Labcorp
Classification: Uncertain significance. Last evaluated: 2022-08-16. Review status: criteria provided, single submitter. Criteria: Invitae Variant Classification Sherloc (09022015). Collection method: clinical testing. Allele origin: germline.
Comment: This sequence change replaces isoleucine, which is neutral and non-polar, with valine, which is neutral and non-polar, at codon 2666 of the CDH23 protein (p.Ile2666Val). This variant is present in population databases (rs368394419, gnomAD 0.03%). This variant has not been reported in the literature in individuals affected with CDH23-related conditions. ClinVar contains an entry for this variant (Variation ID: 966348). Algorithms developed to predict the effect of missense changes on protein structure and function are either unavailable or do not agree on the potential impact of this missense change (SIFT: "Deleterious"; PolyPhen-2: "Not Available"; Align-GVGD: "Class C0"). In summary, the available evidence is currently insufficient to determine the role of this variant in disease. Therefore, it has been classified as a Variant of Uncertain Significance.

Natera, Inc.
Classification: Uncertain significance for Usher syndrome type 1. Last evaluated: 2020-09-30. Review status: no assertion criteria provided. Collection method: clinical testing. Allele origin: germline. Not counted in ClinVar's aggregate classification.